The following is an entry in ClinVar:

NM_000548.5(TSC2):c.5090C>G (p.Thr1697Ser)

Gene: TSC2 (TSC complex subunit 2; plus strand). Cytogenetic location: 16p13.3.
Variant type: single nucleotide variant.
Coding change: c.5090C>G on transcript NM_000548.5 (MANE Select); coding-DNA position 5090, C replaced by G.
Protein change: p.Thr1697Ser; replaces threonine 1697 with serine.
Molecular consequence: missense variant.
Genome position (GRCh38, 1-based): chr16:2,088,069, C>G. VCF-style: chr16-2088069-C-G. GRCh37 (hg19) VCF-style: chr16-2138070-C-G.
Other names: c.4889C>G, p.Thr1630Ser (NM_001077183.3); c.5021C>G, p.Thr1674Ser (NM_001114382.3); c.4781C>G, p.Thr1594Ser (NM_001318827.2); c.4745C>G, p.Thr1582Ser (NM_001318829.2); c.4358C>G, p.Thr1453Ser (NM_001318831.2); c.4922C>G, p.Thr1641Ser (NM_001318832.2); c.4892C>G, p.Thr1631Ser (NM_001363528.2); c.4958C>G, p.Thr1653Ser (NM_001370404.1); and 1 more; short protein forms T1630S, T1641S, T1654S, T1697S, T1674S, T1582S, T1594S, T1631S.
Identifiers: ClinVar variation 1028342 (VCV001028342.10), dbSNP rs777223264, ClinGen allele CA394312103.

ClinVar aggregate classification (germline): Uncertain significance. Review status: criteria provided, multiple submitters, no conflicts (2 of 4 stars). 3 submissions from 3 submitters: Uncertain significance (3). Last evaluated 2023-11-02.

Conditions:
Isolated focal cortical dysplasia type II (FCORD2). Also called: Focal cortical dysplasia type II; CORTICAL DYSPLASIA OF TAYLOR. Identifiers: Orphanet 268994, MedGen C1846385, MONDO:0011818, OMIM 607341, HP:0032051.
Tuberous sclerosis syndrome (TSC). Also called: Tuberous Sclerosis Complex; Tuberous sclerosis. Identifiers: Orphanet 805, MedGen C0041341, MONDO:0001734.
Tuberous sclerosis 2 (TSC2). Identifiers: Orphanet 805, MedGen C1860707, MONDO:0013199, OMIM 613254.

Submissions (3):

All of Us Research Program, National Institutes of Health
Classification: Uncertain significance for Tuberous sclerosis syndrome. Last evaluated: 2023-11-02. Review status: criteria provided, single submitter. Criteria: ACMG Guidelines, 2015. Collection method: clinical testing. Allele origin: germline. Inheritance: Autosomal dominant inheritance. Observed: 1 variant allele, 1 heterozygote.
Comment: This missense variant replaces threonine with serine at codon 1697 of the TSC2 protein. Computational prediction is inconclusive regarding the impact of this variant on protein structure and function (internally defined REVEL score threshold 0.5 < inconclusive < 0.7, PMID: 27666373). To our knowledge, functional studies have not been reported for this variant. This variant has not been reported in individuals affected with TSC2-related disorders in the literature. This variant has not been identified in the general population by the Genome Aggregation Database (gnomAD). The available evidence is insufficient to determine the role of this variant in disease conclusively. Therefore, this variant is classified as a Variant of Uncertain Significance.

This study involves interpretation of variants in research participants for the purpose of population health screening. Participant phenotype was not available at the time of variant classification. Additional details can be found in publication PMID: 35346344, PMCID: PMC8962531

Labcorp Genetics (formerly Invitae), Labcorp
Classification: Uncertain significance for Tuberous sclerosis 2. Last evaluated: 2022-01-14. Review status: criteria provided, single submitter. Criteria: Invitae Variant Classification Sherloc (09022015). Collection method: clinical testing. Allele origin: germline.
Comment: In summary, the available evidence is currently insufficient to determine the role of this variant in disease. Therefore, it has been classified as a Variant of Uncertain Significance. Advanced modeling of protein sequence and biophysical properties (such as structural, functional, and spatial information, amino acid conservation, physicochemical variation, residue mobility, and thermodynamic stability) performed at Invitae indicates that this missense variant is not expected to disrupt TSC2 protein function. This sequence change replaces threonine, which is neutral and polar, with serine, which is neutral and polar, at codon 1697 of the TSC2 protein (p.Thr1697Ser). This variant is not present in population databases (gnomAD no frequency). This variant has not been reported in the literature in individuals affected with TSC2-related conditions. ClinVar contains an entry for this variant (Variation ID: 1028342).

Baylor Genetics
Classification: Uncertain significance for Isolated focal cortical dysplasia type II. Last evaluated: 2019-11-20. Review status: criteria provided, single submitter. Criteria: ACMG Guidelines, 2015. Collection method: clinical testing. Allele origin: unknown. Affected: yes.
Comment: This variant was determined to be of uncertain significance according to ACMG Guidelines, 2015 [PMID:25741868].